The following is an entry in ClinVar:

ClinVar aggregate classification (germline): Uncertain significance. Review status: criteria provided, multiple submitters, no conflicts (2 of 4 stars). 2 submissions from 2 submitters: Uncertain significance (2). Last evaluated 2023-03-02.

Conditions:
Inborn genetic diseases. Identifiers: MedGen C0950123, MeSH D030342.

Allele frequency attached by ClinVar (database versions not stated): gnomAD exomes below 0.00001.
gnomAD v4.1: 6 of 1,614,066 alleles (0.00037%); highest among the groups gnomAD compares: Non-Finnish European, 0.00051%; no homozygotes.

Submissions (2):

Ambry Genetics
Classification: Uncertain significance for Inborn genetic diseases. Last evaluated: 2023-03-02. Review status: criteria provided, single submitter. Criteria: Ambry Variant Classification Scheme 2023. Collection method: clinical testing. Allele origin: germline.

Labcorp Genetics (formerly Invitae), Labcorp
Classification: Uncertain significance. Last evaluated: 2022-08-19. Review status: criteria provided, single submitter. Criteria: Invitae Variant Classification Sherloc (09022015). Collection method: clinical testing. Allele origin: germline.
Comment: In summary, the available evidence is currently insufficient to determine the role of this variant in disease. Therefore, it has been classified as a Variant of Uncertain Significance. Algorithms developed to predict the effect of missense changes on protein structure and function are either unavailable or do not agree on the potential impact of this missense change (SIFT: "Tolerated"; PolyPhen-2: "Possibly Damaging"; Align-GVGD: "Class C0"). ClinVar contains an entry for this variant (Variation ID: 939890). This variant has not been reported in the literature in individuals affected with GRM6-related conditions. This variant is present in population databases (no rsID available, gnomAD 0.0009%). This sequence change replaces glycine, which is neutral and non-polar, with alanine, which is neutral and non-polar, at codon 428 of the GRM6 protein (p.Gly428Ala).

NM_000843.4(GRM6):c.1283G>C (p.Gly428Ala)

Genes: GRM6 (glutamate metabotropic receptor 6; minus strand), ZNF454 (zinc finger protein 454; plus strand). Cytogenetic location: 5q35.3.
Variant type: single nucleotide variant.
Coding change: c.1283G>C on transcript NM_000843.4 (MANE Select); coding-DNA position 1283, G replaced by C.
Protein change: p.Gly428Ala; replaces glycine 428 with alanine.
Molecular consequence: missense variant.
Genome position (GRCh38, 1-based): chr5:178,989,006, C>G on the plus strand (G>C on the coding strand, the complement: GRM6 is on the minus strand). VCF-style: chr5-178989006-C-G. GRCh37 (hg19) VCF-style: chr5-178416007-C-G.
Other names: short protein forms G428A.
Identifiers: ClinVar variation 939890 (VCV000939890.11), dbSNP rs1311475852, ClinGen allele CA362429994.